The following is an entry in ClinVar:

NC_000005.10:g.112849133A>G

Variant type: single nucleotide variant.
Genome position: GRCh38 VCF-style: chr5-112849133-A-G. GRCh37 (hg19) VCF-style: chr5-112184830-A-G.
Identifiers: ClinVar variation 82647 (VCV000082647.3), dbSNP rs79781960, ClinGen allele CA250787.
Genomic context (GRCh38, chr5:112,849,133, plus strand): 5'-GGGCCGGGAGCGGTGGCTCACGCCTGTAATCCCAACTCTTCGGGAGGCCGAGGCAGGTGG[A>G]TAAGGAGATCAAGAGATCAAGACCATCCTGGCCAGCATGGTGAAACCCTGTCTCTACTGA-3'

ClinVar aggregate classification (germline): other (0 of 4 stars; one submission).

Conditions:
Familial colorectal cancer. Identifiers: MedGen CN280943, MONDO:0023113. Disease mechanism: loss of function.

Submission:

Systems Biology Platform Zhejiang California International NanoSystems Institute
Classification: other for Familial colorectal cancer. Review status: no assertion criteria provided. Collection method: not provided. Allele origin: unknown.
ClinVar note: Converted during submission from cancer to other.